The following is an entry in ClinVar:

ClinVar aggregate classification (germline): Uncertain significance (1 of 4 stars; one submission).

Submission:

GeneDx
Classification: Uncertain significance. Last evaluated: 2024-11-14. Review status: criteria provided, single submitter. Criteria: GeneDx Variant Classification Process June 2021. Collection method: clinical testing. Allele origin: germline. Affected: yes.
Comment: Not observed at significant frequency in large population cohorts (gnomAD); In silico analysis supports that this missense variant has a deleterious effect on protein structure/function; Has not been previously published as pathogenic or benign to our knowledge

NM_004699.4(FAM50A):c.67A>G (p.Lys23Glu)

Gene: FAM50A (family with sequence similarity 50 member A; plus strand). Cytogenetic location: Xq28.
Variant type: single nucleotide variant.
Coding change: c.67A>G on transcript NM_004699.4 (MANE Select); coding-DNA position 67, A replaced by G.
Protein change: p.Lys23Glu; replaces lysine 23 with glutamic acid.
Molecular consequence: missense variant.
Genome position (GRCh38, 1-based): chrX:154,444,302, A>G. VCF-style: chrX-154444302-A-G. GRCh37 (hg19) VCF-style: chrX-153672649-A-G.
Other names: short protein forms K23E.
Identifiers: ClinVar variation 3899639 (VCV003899639.1).